The following is an entry in ClinVar:

NM_000257.4(MYH7):c.1043C>T (p.Ser348Phe)

Gene: MYH7 (myosin heavy chain 7; minus strand). Cytogenetic location: 14q11.2.
Variant type: single nucleotide variant.
Coding change: c.1043C>T on transcript NM_000257.4 (MANE Select); coding-DNA position 1043, C replaced by T.
Protein change: p.Ser348Phe; replaces serine 348 with phenylalanine.
Molecular consequence: missense variant.
Genome position (GRCh38, 1-based): chr14:23,429,870, G>A on the plus strand (C>T on the coding strand, the complement: MYH7 is on the minus strand). VCF-style: chr14-23429870-G-A. GRCh37 (hg19) VCF-style: chr14-23899079-G-A.
Other names: c.1043C>T, p.Ser348Phe (NM_001407004.1); short protein forms S348F.
Identifiers: ClinVar variation 3069660 (VCV003069660.1), dbSNP rs1423221591, ClinGen allele CA389051479.

ClinVar aggregate classification (germline): Uncertain significance (1 of 4 stars; one submission).

Conditions:
Cardiomyopathy (CMYO). Also called: Cardiomyopathies. Identifiers: Orphanet 167848, MedGen C0878544, MONDO:0004994, HP:0001638. Inheritance: Various modes of inheritance.

Allele frequency attached by ClinVar (database versions not stated): gnomAD exomes below 0.00001.

Submission:

All of Us Research Program, National Institutes of Health
Classification: Uncertain significance for Cardiomyopathy. Last evaluated: 2023-02-24. Review status: criteria provided, single submitter. Criteria: ACMG Guidelines, 2015. Collection method: clinical testing. Allele origin: germline. Inheritance: Autosomal dominant inheritance. Observed: 1 variant allele, 1 heterozygote.
Comment: This missense variant replaces serine with phenylalanine at codon 348 of the MYH7 protein. Computational prediction is inconclusive regarding the impact of this variant on protein structure and function (internally defined REVEL score threshold 0.5 < inconclusive < 0.7, PMID: 27666373). To our knowledge, functional studies have not been reported for this variant. This variant has not been reported in individuals affected with MYH7-related disorders in the literature. This variant has been identified in 1/251470 chromosomes in the general population by the Genome Aggregation Database (gnomAD). The available evidence is insufficient to determine the role of this variant in disease conclusively. Therefore, this variant is classified as a Variant of Uncertain Significance.

This study involves interpretation of variants in research participants for the purpose of population health screening. Participant phenotype was not available at the time of variant classification. Additional details can be found in publication PMID: 35346344, PMCID: PMC8962531